The following is an entry in ClinVar:

ClinVar aggregate classification (germline): Conflicting classifications of pathogenicity. Review status: criteria provided, conflicting classifications (1 of 4 stars). 15 submissions from 15 submitters: Uncertain significance (3); Likely benign (9). 3 of the submissions do not count toward it. Last evaluated 2026-03-27.

Conditions:
Hereditary cancer-predisposing syndrome. Also called: Hereditary Cancer Syndrome; Neoplastic Syndromes, Hereditary; Hereditary neoplastic syndrome; Tumor predisposition. Identifiers: Orphanet 140162, MedGen C0027672, MeSH D009386, MONDO:0015356.
Hereditary breast ovarian cancer syndrome. Also called: Hereditary breast and ovarian cancer syndrome; Breast and ovarian cancer; Hereditary breast and ovarian cancer syndrome (HBOC); BRCA1- and BRCA2-Associated Hereditary Breast and Ovarian Cancer; Hereditary breast and/or ovarian cancer syndrome; Hereditary breast and ovarian cancer. Identifiers: Orphanet 145, MedGen C0677776, MeSH D061325, MONDO:0003582. Disease mechanism: loss of function.
Breast-ovarian cancer, familial, susceptibility to, 2 (BROVCA2). Also called: BRCA2 Hereditary Breast and Ovarian Cancer. Identifiers: Orphanet 145, MedGen C2675520, MONDO:0012933, OMIM 612555. Disease mechanism: loss of function.
Prostate cancer. Also called: Malignant tumor of prostate. Identifiers: Orphanet 1331, MedGen C0376358, MONDO:0008315, HP:0012125.

Allele frequency attached by ClinVar (database versions not stated): gnomAD exomes 0.00001 and 0.00006; ExAC 0.00006; TOPMed 0.00002; gnomAD 0.00001.
gnomAD v4.1: 13 of 1,613,682 alleles (0.00081%); highest among the groups gnomAD compares: East Asian, 0.022%; no homozygotes.

Submissions (15):

Women's Health and Genetics/Laboratory Corporation of America, LabCorp
Classification: Likely benign. Last evaluated: 2026-03-27. Review status: criteria provided, single submitter. Criteria: LabCorp Variant Classification Summary - May 2015. Collection method: clinical testing. Allele origin: germline.
Comment: Variant summary: BRCA2 c.8356G>A (p.Ala2786Thr) results in a non-conservative amino acid change in the encoded protein sequence. Algorithms developed to predict the effect of missense changes on protein structure and function all suggest that this variant is likely to be disruptive. The variant allele was found at a frequency of 8.1e-06 in 1613682 control chromosomes, predominantly at a frequency of 0.00022 within the East Asian subpopulation in the gnomAD database. This frequency is not significantly higher than estimated for disease-causing variants in BRCA2, allowing no conclusion about variant significance. A homozygous control was previously reported in gnomAD v2, but was not reported in gnomAD v4. c.8356G>A has been observed in the presumed heterozygous state in numerous individual(s) affected with clinical features of and/or considered high risk for Hereditary Breast And Ovarian Cancer Syndrome or other cancers (example, Kwong_2016, Schenkel_2016, Suter_2004, Thirthagiri_2008, Wong_2015, Kwong_2020, Lu_2015, Matusin_2025, Yoshida_2021), however no segregation with disease has been reported to our knowledge. It is also reported in both breast cancer (BC) cases and in unaffected controls (Dorling_2021). Finally, no significant allelic differences of this variant have been identified in large-scale Asian case-control studies: i.e. the variant was similarly present in 10/7,840 BC cases and in 11/7,928 controls (P=0.85, Sullivan_2021) and similar results were reported in a large case/control study with >1000 cases and >1000 controls showing this variant was not significantly associated with breast cancer (Lai_2017). These report(s) do not provide unequivocal conclusions about association of the variant with Hereditary Breast And Ovarian Cancer Syndrome. Multiple publications report experimental evidence evaluating an impact on protein function in vitro. Assays measuring cellular viability and sensitivity to DNA damaging agents in mouse embryonic stem cell based models showed this variant produced the same effect as WT (Sullivan_2021, Sahu_2025). Co-occurrences with other pathogenic variant(s) have been reported (BRCA2 c.6638delC, p.Ser2213Leufs), providing supporting evidence for a benign role. The following publications have been ascertained in the context of this evaluation (PMID: 33471991, 26187060, 28222693, 27376475, 33314489, 14973102, 18627636, 26221963, 32068069, 26689913, 40531958, 33421217, 39779848). ClinVar contains an entry for this variant (Variation ID: 52560). Based on the evidence outlined above, the variant was classified as likely benign.

Labcorp Genetics (formerly Invitae), Labcorp
Classification: Likely benign for Hereditary breast ovarian cancer syndrome. Last evaluated: 2026-02-01. Review status: criteria provided, single submitter. Criteria: Invitae Variant Classification Sherloc (09022015). Collection method: clinical testing. Allele origin: germline.

Quest Diagnostics Nichols Institute San Juan Capistrano
Classification: Likely benign. Last evaluated: 2025-02-19. Review status: criteria provided, single submitter. Criteria: Quest Diagnostics criteria. Collection method: clinical testing. Allele origin: unknown.

Molecular Pathology, Peter Maccallum Cancer Centre
Classification: Likely benign for Breast-ovarian cancer, familial, susceptibility to, 2. Last evaluated: 2024-09-02. Review status: criteria provided, single submitter. Criteria: ACMG Guidelines, 2015. Collection method: clinical testing. Allele origin: germline. Inheritance: Autosomal dominant inheritance.

Blueprint Genetics
Classification: Likely benign. Last evaluated: 2024-06-06. Review status: criteria provided, single submitter. Criteria: ACMG Guidelines, 2015. Collection method: clinical testing. Allele origin: germline.

Ambry Genetics
Classification: Likely benign for Hereditary cancer-predisposing syndrome. Last evaluated: 2023-02-09. Review status: criteria provided, single submitter. Criteria: Ambry Variant Classification Scheme 2023. Collection method: clinical testing. Allele origin: germline.

Mayo Clinic Laboratories, Mayo Clinic
Classification: Uncertain significance. Last evaluated: 2022-11-23. Review status: criteria provided, single submitter. Criteria: ACMG Guidelines, 2015. Collection method: clinical testing. Allele origin: germline. Observed: 1 variant allele.
Comment: BS3_supporting

Color Diagnostics, LLC DBA Color Health
Classification: Likely benign for Hereditary cancer-predisposing syndrome. Last evaluated: 2021-06-10. Review status: criteria provided, single submitter. Criteria: ACMG Guidelines, 2015. Collection method: clinical testing. Allele origin: germline.

Sema4
Classification: Likely benign for Hereditary cancer-predisposing syndrome. Last evaluated: 2020-10-30. Review status: criteria provided, single submitter. Criteria: Sema4 Curation Guidelines. Collection method: curation. Allele origin: germline.

ARUP Laboratories, Molecular Genetics and Genomics, ARUP Laboratories
Classification: Uncertain significance. Last evaluated: 2019-11-11. Review status: criteria provided, single submitter. Criteria: ARUP Molecular Germline Variant Investigation Process. Collection method: clinical testing. Allele origin: germline.
Comment: The BRCA2 c.8356G>A; p.Ala2786Thr variant (rs80359077), also known as 8584G>A for traditional nomenclature, is reported in the literature in individuals with hereditary breast and ovarian cancer syndrome (Lai 2017, Suter 2004, Thirthagiri 2008, Wong 2015), but is also reported in healthy controls (Lai 2017). This variant is reported in ClinVar (Variation ID: 52560). It is found in the general East Asian population with an allele frequency of 0.08% (15/19954 alleles, including 1 homozygote) in the Genome Aggregation Database. The alanine at codon 2786 is highly conserved, and computational analyses (SIFT, PolyPhen-2) predict that this variant is deleterious. Due to limited information, the clinical significance of this variant is uncertain at this time. REFERENCES Lai KN et al. Characterization of BRCA1 and BRCA2 variants in multi-ethnic Asian cohort from a Malaysian case-control study. BMC Cancer. 2017 Feb 22;17(1):149. Suter NM et al. BRCA1 and BRCA2 mutations in women from Shanghai China. Cancer Epidemiol Biomarkers Prev. 2004 Feb;13(2):181-9. Thirthagiri E et al. Evaluation of BRCA1 and BRCA2 mutations and risk-prediction models in a typical Asian country (Malaysia) with a relatively low incidence of breast cancer. Breast Cancer Res. 2008;10(4):R59. Wong ES et al. Predictive Factors for BRCA1 and BRCA2 Genetic Testing in an Asian Clinic-Based Population. PLoS One. 2015 Jul 29;10(7):e0134408.

GeneDx
Classification: Likely benign. Last evaluated: 2017-12-06. Review status: criteria provided, single submitter. Criteria: GeneDx Variant Classification (06012015). Collection method: clinical testing. Allele origin: germline. Affected: yes.
Comment: This variant is considered likely benign or benign based on one or more of the following criteria: it is a conservative change, it occurs at a poorly conserved position in the protein, it is predicted to be benign by multiple in silico algorithms, and/or has population frequency not consistent with disease.

3DMed Clinical Laboratory Inc
Classification: Uncertain significance for Malignant tumor of prostate. Last evaluated: 2017-07-17. Review status: criteria provided, single submitter. Criteria: ACMG Guidelines, 2015. Collection method: clinical testing. Allele origin: germline. Affected: yes.

Counsyl
Classification: Uncertain significance for Breast-ovarian cancer, familial, susceptibility to, 2. Last evaluated: 2018-02-15. Review status: no assertion criteria provided. Collection method: clinical testing. Allele origin: unknown. Not counted in ClinVar's aggregate classification.

Sharing Clinical Reports Project (SCRP)
Classification: Likely benign for Breast-ovarian cancer, familial 2. Last evaluated: 2012-06-19. Review status: no assertion criteria provided. Collection method: clinical testing. Allele origin: germline. Not counted in ClinVar's aggregate classification.

Breast Cancer Information Core (BIC) (BRCA2)
Classification: Uncertain significance for Breast-ovarian cancer, familial 2. Last evaluated: 2010-09-18. Review status: no assertion criteria provided. Collection method: clinical testing. Allele origin: germline. Affected: yes. Observed: 2 variant alleles. Not counted in ClinVar's aggregate classification.

Literature cited by the submitters: PubMed 18627636 (cited by 3 submitters); PubMed 14973102 (cited by 4 submitters); PubMed 26689913 (cited by 3 submitters); PubMed 26187060 (cited by Women's Health and Genetics/Laboratory Corporation of America, LabCorp); PubMed 26221963 (cited by 4 submitters); PubMed 27157322 (cited by Women's Health and Genetics/Laboratory Corporation of America, LabCorp); PubMed 27376475 (cited by 4 submitters); PubMed 29394989 (cited by 3 submitters); PubMed 28222693 (cited by 4 submitters); PubMed 31825140 (cited by Women's Health and Genetics/Laboratory Corporation of America, LabCorp and Quest Diagnostics Nichols Institute San Juan Capistrano); PubMed 31248605 (cited by Women's Health and Genetics/Laboratory Corporation of America, LabCorp); PubMed 31396961 (cited by Women's Health and Genetics/Laboratory Corporation of America, LabCorp); PubMed 32068069 (cited by Women's Health and Genetics/Laboratory Corporation of America, LabCorp); PubMed 33471991 (cited by Women's Health and Genetics/Laboratory Corporation of America, LabCorp and Quest Diagnostics Nichols Institute San Juan Capistrano); PubMed 33428613 (cited by Women's Health and Genetics/Laboratory Corporation of America, LabCorp and Quest Diagnostics Nichols Institute San Juan Capistrano); PubMed 33314489 (cited by Women's Health and Genetics/Laboratory Corporation of America, LabCorp and Quest Diagnostics Nichols Institute San Juan Capistrano); PubMed 33421217 (cited by Women's Health and Genetics/Laboratory Corporation of America, LabCorp); PubMed 34917121 (cited by Women's Health and Genetics/Laboratory Corporation of America, LabCorp); PubMed 34741701 (cited by Women's Health and Genetics/Laboratory Corporation of America, LabCorp); PubMed 36243179 (cited by Women's Health and Genetics/Laboratory Corporation of America, LabCorp); PubMed 30548481 (cited by Women's Health and Genetics/Laboratory Corporation of America, LabCorp); PubMed 34235180 (cited by Women's Health and Genetics/Laboratory Corporation of America, LabCorp); PubMed 37854294 (cited by Women's Health and Genetics/Laboratory Corporation of America, LabCorp); PubMed 39402389 (cited by Women's Health and Genetics/Laboratory Corporation of America, LabCorp); PubMed 40531958 (cited by Women's Health and Genetics/Laboratory Corporation of America, LabCorp); PubMed 39707189 (cited by Women's Health and Genetics/Laboratory Corporation of America, LabCorp); PubMed 41565638 (cited by Women's Health and Genetics/Laboratory Corporation of America, LabCorp); PubMed 38773604 (cited by Women's Health and Genetics/Laboratory Corporation of America, LabCorp); PubMed 28277317 (cited by Women's Health and Genetics/Laboratory Corporation of America, LabCorp and Quest Diagnostics Nichols Institute San Juan Capistrano); PubMed 35644609 (cited by Women's Health and Genetics/Laboratory Corporation of America, LabCorp); PubMed 33942253 (cited by Women's Health and Genetics/Laboratory Corporation of America, LabCorp); PubMed 39779848 (cited by Women's Health and Genetics/Laboratory Corporation of America, LabCorp and Quest Diagnostics Nichols Institute San Juan Capistrano); PubMed 32467295 (cited by Quest Diagnostics Nichols Institute San Juan Capistrano); PubMed 29684080 (cited by Quest Diagnostics Nichols Institute San Juan Capistrano and Ambry Genetics); PubMed 30702160 (cited by Quest Diagnostics Nichols Institute San Juan Capistrano); PubMed 39779857 (cited by Quest Diagnostics Nichols Institute San Juan Capistrano); PubMed 23108138 (cited by 3DMed Clinical Laboratory Inc).

NM_000059.4(BRCA2):c.8356G>A (p.Ala2786Thr)

Gene: BRCA2 (BRCA2 DNA repair associated; plus strand). Cytogenetic location: 13q13.1.
Variant type: single nucleotide variant.
Coding change: c.8356G>A on transcript NM_000059.4 (MANE Select); coding-DNA position 8356, G replaced by A.
Protein change: p.Ala2786Thr; replaces alanine 2786 with threonine.
Molecular consequence: missense variant.
Genome position (GRCh38, 1-based): chr13:32,370,426, G>A. VCF-style: chr13-32370426-G-A. GRCh37 (hg19) VCF-style: chr13-32944563-G-A.
Other names: p.Ala2786Thr; 8584G>A; short protein forms A2786T.
Identifiers: ClinVar variation 52560 (VCV000052560.36), dbSNP rs80359077, ClinGen allele CA025598.